The following is an entry in ClinVar:

ClinVar aggregate classification (germline): Pathogenic (1 of 4 stars; one submission).

Conditions:
Primary ciliary dyskinesia. Also called: Ciliary dyskinesia. Identifiers: Orphanet 244, MedGen C0008780, MONDO:0016575, HP:0012265.

Submission:

Laboratory for Molecular Medicine, Mass General Brigham Personalized Medicine
Classification: Pathogenic for Primary ciliary dyskinesia. Last evaluated: 2014-03-14. Review status: criteria provided, single submitter. Criteria: LMM Criteria. Collection method: clinical testing. Allele origin: germline. Inheritance: Autosomal recessive inheritance. Observed: 1 variant allele.
Comment: The (?_-181)_(*77_?)del copy number variant leads to a deletion of the whole DNA AF1 gene. Copy number losses that encompass the DNAAF1 gene and several loss-of- function mutations in this gene in homozygous or compound heterozygous state hav e been reported in 9 individuals with primary ciliary dyskinesia (PCD; Loges 200 9 and Duquesnoy 2009). Three of these individuals had left-right body asymmetry, 3 of them had lobectomy, and at least 6 of them had severe airway diseases incl uding bronchitis, sinusitis, otitis, and bronchiectasis (Loges 2009 and Duquesno y 2009). Copy number losses in the DNAAF1 gene have not been reported in healthy individuals in the DGV database. In summary, this variant meets our criteria to be classified as pathogenic.

Literature cited by the submitters: PubMed 19944400; PubMed 19944405.

NM_178452.4(DNAAF1):c.(?_-181)_(*77_?)del

Genes: DNAAF1 (dynein axonemal assembly factor 1; plus strand), TAF1C (TATA-box binding protein associated factor, RNA polymerase I subunit C; minus strand). Cytogenetic location: 16q23.3-24.1.
Variant type: Deletion.
Coding change: c.(?_-181)_(*77_?)del on transcript NM_178452.4; a large deletion whose breakpoints are not mapped to the base.
Other names: c.(?_-181)_(*77_?)del (NM_178452.4).
Identifiers: ClinVar variation 163081 (VCV000163081.4).